The following is an entry in ClinVar:

ClinVar aggregate classification (germline): Uncertain significance. Review status: criteria provided, multiple submitters, no conflicts (2 of 4 stars). 4 submissions from 4 submitters: Uncertain significance (4). Last evaluated 2026-07-07.

Conditions:
Hereditary cancer-predisposing syndrome. Also called: Hereditary Cancer Syndrome; Neoplastic Syndromes, Hereditary; Hereditary neoplastic syndrome; Tumor predisposition. Identifiers: Orphanet 140162, MedGen C0027672, MeSH D009386, MONDO:0015356.
Retinoblastoma (RB1). Also called: RETINOBLASTOMA, SOMATIC. Identifiers: Orphanet 790, MedGen C0035335, MeSH D012175, MONDO:0008380, OMIM 180200, HP:0009919. Disease mechanism: loss of function. Inheritance: Both sporadic and heritable forms are tested..

Allele frequency attached by ClinVar (database versions not stated): TOPMed below 0.00001.

Submissions (4):

Ambry Genetics
Classification: Uncertain significance for Hereditary cancer-predisposing syndrome. Last evaluated: 2026-07-07. Review status: criteria provided, single submitter. Criteria: Ambry Variant Classification Scheme 2023. Collection method: clinical testing. Allele origin: germline.
Comment: The p.S179G variant (also known as c.535A>G), located in coding exon 5 of the RB1 gene, results from an A to G substitution at nucleotide position 535. The serine at codon 179 is replaced by glycine, an amino acid with similar properties. This amino acid position is conserved. In addition, this alteration is predicted to be tolerated by in silico analysis. Based on the available evidence, the clinical significance of this variant remains unclear.

Labcorp Genetics (formerly Invitae), Labcorp
Classification: Uncertain significance for Retinoblastoma. Last evaluated: 2026-01-27. Review status: criteria provided, single submitter. Criteria: Invitae Variant Classification Sherloc (09022015). Collection method: clinical testing. Allele origin: germline.
Comment: This sequence change replaces serine, which is neutral and polar, with glycine, which is neutral and non-polar, at codon 179 of the RB1 protein (p.Ser179Gly). This variant is not present in population databases (gnomAD no frequency). This variant has not been reported in the literature in individuals affected with RB1-related conditions. ClinVar contains an entry for this variant (Variation ID: 1431080). Invitae Evidence Modeling of protein sequence and biophysical properties (such as structural, functional, and spatial information, amino acid conservation, physicochemical variation, residue mobility, and thermodynamic stability) indicates that this missense variant is not expected to disrupt RB1 protein function with a negative predictive value of 80%. In summary, the available evidence is currently insufficient to determine the role of this variant in disease. Therefore, it has been classified as a Variant of Uncertain Significance.

Color Diagnostics, LLC DBA Color Health
Classification: Uncertain significance for Retinoblastoma. Last evaluated: 2025-08-30. Review status: criteria provided, single submitter. Criteria: ACMG Guidelines, 2015. Collection method: clinical testing. Allele origin: germline.
Comment: This missense variant replaces serine with glycine at codon 179 of the RB1 protein. Computational prediction suggests that this variant may not impact protein structure and function. To our knowledge, functional studies have not been reported for this variant. This variant has not been reported in individuals affected with RB1-related disorders in the literature. This variant has not been identified in the general population by the Genome Aggregation Database (gnomAD). The available evidence is insufficient to determine the role of this variant in disease conclusively. Therefore, this variant is classified as a Variant of Uncertain Significance.

GeneDx
Classification: Uncertain significance. Last evaluated: 2024-08-09. Review status: criteria provided, single submitter. Criteria: GeneDx Variant Classification Process June 2021. Collection method: clinical testing. Allele origin: germline. Affected: yes.
Comment: Not observed at significant frequency in large population cohorts (gnomAD); In silico analysis indicates that this missense variant does not alter protein structure/function; Has not been previously published as pathogenic or benign to our knowledge; In silico analysis suggests this variant may impact gene splicing. In the absence of RNA/functional studies, the actual effect of this sequence change is unknown.; This variant is associated with the following publications: (PMID: 23516486)

NM_000321.3(RB1):c.535A>G (p.Ser179Gly)

Gene: RB1 (RB transcriptional corepressor 1; plus strand). Cytogenetic location: 13q14.2.
Variant type: single nucleotide variant.
Coding change: c.535A>G on transcript NM_000321.3 (MANE Select); coding-DNA position 535, A replaced by G.
Protein change: p.Ser179Gly; replaces serine 179 with glycine.
Molecular consequence: missense variant.
Genome position (GRCh38, 1-based): chr13:48,347,859, A>G. VCF-style: chr13-48347859-A-G. GRCh37 (hg19) VCF-style: chr13-48921995-A-G.
Other names: c.535A>G (NM_000321.2); short protein forms S179G.
Identifiers: ClinVar variation 1431080 (VCV001431080.8), dbSNP rs970490020, ClinGen allele CA249268744.